The following is an entry in ClinVar:

NM_145046.5(CALR3):c.724G>A (p.Asp242Asn)

Gene: CALR3 (calreticulin 3; minus strand). Cytogenetic location: 19p13.11.
Variant type: single nucleotide variant.
Coding change: c.724G>A on transcript NM_145046.5 (MANE Select); coding-DNA position 724, G replaced by A.
Protein change: p.Asp242Asn; replaces aspartic acid 242 with asparagine.
Molecular consequence: missense variant.
Genome position (GRCh38, 1-based): chr19:16,482,740, C>T on the plus strand (G>A on the coding strand, the complement: CALR3 is on the minus strand). VCF-style: chr19-16482740-C-T. GRCh37 (hg19) VCF-style: chr19-16593551-C-T.
Other names: short protein forms D242N.
Identifiers: ClinVar variation 659042 (VCV000659042.11), dbSNP rs146669521, ClinGen allele CA9278308.

ClinVar aggregate classification (germline): Conflicting classifications of pathogenicity. Review status: criteria provided, conflicting classifications (1 of 4 stars). 3 submissions from 3 submitters: Uncertain significance (1); Likely benign (2). Last evaluated 2026-03-17.

Conditions:
Hypertrophic cardiomyopathy 19. Also called: Familial hypertrophic cardiomyopathy 19. Identifiers: MedGen CN077603, MONDO:0013476.

Allele frequency attached by ClinVar (database versions not stated): TOPMed 0.00004; gnomAD exomes 0.00005 and 0.00008; gnomAD 0.00007 and 0.00008; ExAC 0.00009; ESP Exome Variant Server 0.00023.
gnomAD v4.1: 81 of 1,613,764 alleles (0.005%); highest among the groups gnomAD compares: Non-Finnish European, 0.0064%; no homozygotes.

Submissions (3):

Women's Health and Genetics/Laboratory Corporation of America, LabCorp
Classification: Likely benign. Last evaluated: 2026-03-17. Review status: criteria provided, single submitter. Criteria: LabCorp Variant Classification Summary - May 2015. Collection method: clinical testing. Allele origin: germline.

Labcorp Genetics (formerly Invitae), Labcorp
Classification: Uncertain significance for Hypertrophic cardiomyopathy 19. Last evaluated: 2025-12-03. Review status: criteria provided, single submitter. Criteria: Invitae Variant Classification Sherloc (09022015). Collection method: clinical testing. Allele origin: germline.
Comment: This sequence change replaces aspartic acid, which is acidic and polar, with asparagine, which is neutral and polar, at codon 242 of the CALR3 protein (p.Asp242Asn). This variant is present in population databases (rs146669521, gnomAD 0.02%). This variant has not been reported in the literature in individuals affected with CALR3-related conditions. ClinVar contains an entry for this variant (Variation ID: 659042). Invitae Evidence Modeling of protein sequence and biophysical properties (such as structural, functional, and spatial information, amino acid conservation, physicochemical variation, residue mobility, and thermodynamic stability) indicates that this missense variant is not expected to disrupt CALR3 protein function with a negative predictive value of 80%. In summary, the available evidence is currently insufficient to determine the role of this variant in disease. Therefore, it has been classified as a Variant of Uncertain Significance.

Blueprint Genetics
Classification: Likely benign. Last evaluated: 2024-10-08. Review status: criteria provided, single submitter. Criteria: ACMG Guidelines, 2015. Collection method: clinical testing. Allele origin: germline.